The following is an entry in ClinVar:

NM_004082.5(DCTN1):c.3422G>A (p.Ser1141Asn)

Gene: DCTN1 (dynactin subunit 1; minus strand). Cytogenetic location: 2p13.1.
Variant type: single nucleotide variant.
Coding change: c.3422G>A on transcript NM_004082.5 (MANE Select); coding-DNA position 3422, G replaced by A.
Protein change: p.Ser1141Asn; replaces serine 1141 with asparagine.
Molecular consequence: missense variant. On other transcripts: non-coding transcript variant (1).
Genome position (GRCh38, 1-based): chr2:74,363,101, C>T on the plus strand (G>A on the coding strand, the complement: DCTN1 is on the minus strand). VCF-style: chr2-74363101-C-T. GRCh37 (hg19) VCF-style: chr2-74590228-C-T.
Other names: c.3347G>A, p.Ser1116Asn (NM_001135040.3); c.3005G>A, p.Ser1002Asn (NM_001135041.3); c.3296G>A, p.Ser1099Asn (NM_001190836.2); c.3401G>A, p.Ser1134Asn (NM_001190837.2); c.3371G>A, p.Ser1124Asn (NM_001378991.1); c.3353G>A, p.Ser1118Asn (NM_001378992.1); c.3020G>A, p.Ser1007Asn (NM_023019.4); short protein forms S1124N, S1118N, S1134N, S1002N, S1099N, S1116N, S1007N, S1141N.
Identifiers: ClinVar variation 2945087 (VCV002945087.3), dbSNP rs765678015, ClinGen allele CA1721490.
Genomic context (GRCh38, chr2:74,363,101, plus strand): 5'-TGATTCAATGTCTCCAGCAGCTGGCTGGTCTTACGATACAGCGCTCCAGCTGGTAACTCA[C>T]TGCCAGGGCCCTCATGGGATAGCTTTGCAACATGCAGAGGGGGCAGGGATGCCAAGGATG-3'
Protein context (NP_004073.2, residues 1131-1151): VAKLSHEGPG[Ser1141Asn]ELPAGALYRK

ClinVar aggregate classification (germline): Uncertain significance (1 of 4 stars; one submission).

Conditions:
Amyotrophic lateral sclerosis type 1 (ALS1). Also called: AMYOTROPHIC LATERAL SCLEROSIS 1, FAMILIAL. Identifiers: Orphanet 803, MedGen C1862939, MONDO:0007103, OMIM 105400.
Neuronopathy, distal hereditary motor, type 7B. Also called: HMN VIIB; LOWER MOTOR NEURON DISEASE, DYNACTIN TYPE; NEURONOPATHY, DISTAL HEREDITARY MOTOR, AUTOSOMAL DOMINANT 14; NEURONOPATHY, DISTAL HEREDITARY MOTOR, HARDING TYPE VIIB; NEUROPATHY, DISTAL HEREDITARY MOTOR, HARDING TYPE VIIB; NEUROPATHY, DISTAL HEREDITARY MOTOR, WITH VOCAL CORD PARALYSIS, HARDING TYPE VIIB. Identifiers: Orphanet 139589, MedGen C1843315, MONDO:0011879, OMIM 607641.
Perry syndrome. Also called: PARKINSONISM WITH ALVEOLAR HYPOVENTILATION AND MENTAL DEPRESSION. Identifiers: Orphanet 178509, MedGen C1868594, MONDO:0008201, OMIM 168605.

Allele frequency attached by ClinVar (database versions not stated): ExAC 0.00001; TOPMed 0.00001; gnomAD exomes 0.00002; gnomAD 0.00003.
gnomAD v4.1: 29 of 1,613,652 alleles (0.0018%); highest among the groups gnomAD compares: African/African-American, 0.004%; no homozygotes.

Submission:

Labcorp Genetics (formerly Invitae), Labcorp
Classification: Uncertain significance for Amyotrophic lateral sclerosis type 1; Neuronopathy, distal hereditary motor, type 7B; Perry syndrome. Last evaluated: 2024-08-15. Review status: criteria provided, single submitter. Criteria: Invitae Variant Classification Sherloc (09022015). Collection method: clinical testing. Allele origin: germline.
Comment: This sequence change replaces serine, which is neutral and polar, with asparagine, which is neutral and polar, at codon 1141 of the DCTN1 protein (p.Ser1141Asn). This variant is present in population databases (rs765678015, gnomAD 0.004%). This variant has not been reported in the literature in individuals affected with DCTN1-related conditions. Invitae Evidence Modeling of protein sequence and biophysical properties (such as structural, functional, and spatial information, amino acid conservation, physicochemical variation, residue mobility, and thermodynamic stability) indicates that this missense variant is not expected to disrupt DCTN1 protein function with a negative predictive value of 80%. In summary, the available evidence is currently insufficient to determine the role of this variant in disease. Therefore, it has been classified as a Variant of Uncertain Significance.